The following is an entry in ClinVar:

NM_000211.5(ITGB2):c.1943C>T (p.Pro648Leu)

Gene: ITGB2 (integrin subunit beta 2; minus strand). Cytogenetic location: 21q22.3.
Variant type: single nucleotide variant.
Coding change: c.1943C>T on transcript NM_000211.5 (MANE Select); coding-DNA position 1943, C replaced by T.
Protein change: p.Pro648Leu; replaces proline 648 with leucine.
Molecular consequence: missense variant.
Genome position (GRCh38, 1-based): chr21:44,888,830, G>A on the plus strand (C>T on the coding strand, the complement: ITGB2 is on the minus strand). VCF-style: chr21-44888830-G-A. GRCh37 (hg19) VCF-style: chr21-46308745-G-A.
Other names: c.1943C>T, p.Pro648Leu (NM_001127491.3); c.1736C>T, p.Pro579Leu (NM_001303238.2); short protein forms P648L, P579L.
Identifiers: ClinVar variation 530679 (VCV000530679.10), dbSNP rs373963624, ClinGen allele CA10062625.

ClinVar aggregate classification (germline): Uncertain significance. Review status: criteria provided, multiple submitters, no conflicts (2 of 4 stars). 2 submissions from 2 submitters: Uncertain significance (2). Last evaluated 2026-01-19.

Conditions:
Leukocyte adhesion deficiency 1 (LAD1). Also called: LEUKOCYTE ADHESION DEFICIENCY, TYPE I; LAD 1; Lymphocyte function-associated antigen 1 immunodeficiency; LFA 1 immunodeficiency. Identifiers: Orphanet 2968, Orphanet 99842, MedGen C0398738, MONDO:0007293, OMIM 116920.

Allele frequency attached by ClinVar (database versions not stated): gnomAD 0.00004; ESP Exome Variant Server 0.00008; gnomAD exomes 0.00009 and 0.00016; TOPMed 0.00013; ExAC 0.00018.
gnomAD v4.1: 131 of 1,610,688 alleles (0.0081%); highest among the groups gnomAD compares: Admixed American, 0.045%; no homozygotes.

Submissions (2):

Labcorp Genetics (formerly Invitae), Labcorp
Classification: Uncertain significance for Leukocyte adhesion deficiency 1. Last evaluated: 2026-01-19. Review status: criteria provided, single submitter. Criteria: Invitae Variant Classification Sherloc (09022015). Collection method: clinical testing. Allele origin: germline.
Comment: This sequence change replaces proline, which is neutral and non-polar, with leucine, which is neutral and non-polar, at codon 648 of the ITGB2 protein (p.Pro648Leu). This variant is present in population databases (rs373963624, gnomAD 0.06%). This missense change has been observed in individual(s) with leukocyte adhesion deficiency (PMID: 22134107). ClinVar contains an entry for this variant (Variation ID: 530679). Invitae Evidence Modeling of protein sequence and biophysical properties (such as structural, functional, and spatial information, amino acid conservation, physicochemical variation, residue mobility, and thermodynamic stability) has been performed for this missense variant. However, the output from this modeling did not meet the statistical confidence thresholds required to predict the impact of this variant on ITGB2 protein function. Experimental studies have shown that this missense change does not substantially affect ITGB2 function (PMID: 25514840). In summary, the available evidence is currently insufficient to determine the role of this variant in disease. Therefore, it has been classified as a Variant of Uncertain Significance.

Fulgent Genetics
Classification: Uncertain significance for Leukocyte adhesion deficiency 1. Last evaluated: 2021-10-20. Review status: criteria provided, single submitter. Criteria: ACMG Guidelines, 2015. Collection method: clinical testing. Allele origin: unknown.

Literature cited by the submitters: PubMed 22134107 (cited by Labcorp Genetics (formerly Invitae), Labcorp); PubMed 25514840 (cited by Labcorp Genetics (formerly Invitae), Labcorp).